The following is an entry in ClinVar:

ClinVar aggregate classification (germline): Uncertain significance (1 of 4 stars; one submission).

Conditions:
Gorlin syndrome. Also called: Nevoid Basal Cell Carcinoma Syndrome; Basal cell nevus syndrome. Identifiers: Orphanet 377, MedGen C0004779, MONDO:0007187.

Submission:

Labcorp Genetics (formerly Invitae), Labcorp
Classification: Uncertain significance for Gorlin syndrome. Last evaluated: 2018-10-13. Review status: criteria provided, single submitter. Criteria: Invitae Variant Classification Sherloc (09022015). Collection method: clinical testing. Allele origin: germline.
Comment: In summary, the available evidence is currently insufficient to determine the role of this variant in disease. Therefore, it has been classified as a Variant of Uncertain Significance. Algorithms developed to predict the effect of missense changes on protein structure and function (SIFT, PolyPhen-2, Align-GVGD) all suggest that this variant is likely to be tolerated, but these predictions have not been confirmed by published functional studies and their clinical significance is uncertain. This variant has not been reported in the literature in individuals with PTCH1-related disease. This variant is not present in population databases (ExAC no frequency). This sequence change replaces cysteine with serine at codon 727 of the PTCH1 protein (p.Cys727Ser). The cysteine residue is moderately conserved and there is a moderate physicochemical difference between cysteine and serine.

NM_000264.5(PTCH1):c.2179T>A (p.Cys727Ser)

Genes: PTCH1 (patched 1; minus strand), LOC100507346 (uncharacterized LOC100507346; plus strand). Cytogenetic location: 9q22.32.
Variant type: single nucleotide variant.
Coding change: c.2179T>A on transcript NM_000264.5 (MANE Select); coding-DNA position 2179, T replaced by A.
Protein change: p.Cys727Ser; replaces cysteine 727 with serine.
Molecular consequence: missense variant. On other transcripts: non-coding transcript variant (2).
Genome position (GRCh38, 1-based): chr9:95,468,822, A>T on the plus strand (T>A on the coding strand, the complement: PTCH1 is on the minus strand). VCF-style: chr9-95468822-A-T. GRCh37 (hg19) VCF-style: chr9-98231104-A-T.
Other names: c.1726T>A, p.Cys576Ser (NM_001083607.3, NM_001083604.3, NM_001083605.3 and 1 more transcripts); c.2023T>A, p.Cys675Ser (NM_001354918.2); c.1981T>A, p.Cys661Ser (NM_001083602.3); c.2176T>A, p.Cys726Ser (NM_001083603.3); short protein forms C661S, C726S, C576S, C727S, C675S.
Identifiers: ClinVar variation 660186 (VCV000660186.9), dbSNP rs779167673, ClinGen allele CA374115431.
Genomic context (GRCh38, chr9:95,468,822, plus strand): 5'-GTTTCAAGAGGAAAGGAGCATAGTGCTTCTCAGCAAAAGATGAGAGTGTCCACTTCGTAC[A>T]GGGGGGCTCGAGGCAGTGGAGGCTGGAGTCGGAGAACTGGGAGAGCAGGTCCCTTGTGGA-3'
Protein context (NP_000255.2, residues 717-737): DSSLHCLEPP[Cys727Ser]TKWTLSSFAE